The following is an entry in ClinVar:

NM_019888.3(MC3R):c.26C>G (p.Ser9Cys)

Gene: MC3R (melanocortin 3 receptor; plus strand). Cytogenetic location: 20q13.2.
Variant type: single nucleotide variant.
Coding change: c.26C>G on transcript NM_019888.3 (MANE Select); coding-DNA position 26, C replaced by G.
Protein change: p.Ser9Cys; replaces serine 9 with cysteine.
Molecular consequence: missense variant.
Genome position (GRCh38, 1-based): chr20:56,248,869, C>G. VCF-style: chr20-56248869-C-G. GRCh37 (hg19) VCF-style: chr20-54823925-C-G.
Other names: short protein forms S9C.
Identifiers: ClinVar variation 3356012 (VCV003356012.1).
Genomic context (GRCh38, chr20:56,248,869, plus strand): 5'-TGGAGCCCCAGCTCGGATCAGCCCTTCTGACAGCAATGAATGCTTCGTGCTGCCTGCCCT[C>G]TGTTCAGCCAACACTGCCTAATGGCTCGGAGCACCTCCAAGCCCCTTTCTTCAGCAACCA-3'
Protein context (NP_063941.3, residues 1-19): MNASCCLP[Ser9Cys]VQPTLPNGSE

ClinVar aggregate classification (germline): Uncertain significance (0 of 4 stars; one submission).

Conditions:
MC3R-related disorder. Also called: MC3R-related condition.

Submission:

PreventionGenetics, part of Exact Sciences
Classification: Uncertain significance for MC3R-related condition. Last evaluated: 2023-10-18. Review status: no assertion criteria provided. Collection method: clinical testing. Allele origin: germline.
Comment: The MC3R c.26C>G variant is predicted to result in the amino acid substitution p.Ser9Cys. To our knowledge, this variant has not been reported in the literature. This variant is reported in 0.00088% of alleles in individuals of European (Non-Finnish) descent in gnomAD. At this time, the clinical significance of this variant is uncertain due to the absence of conclusive functional and genetic evidence.